The following is an entry in ClinVar:

ClinVar aggregate classification (germline): Conflicting classifications of pathogenicity. Review status: criteria provided, conflicting classifications (1 of 4 stars). 9 submissions from 9 submitters: Uncertain significance (1); Benign (3); Likely benign (1). 4 of the submissions do not count toward it. Last evaluated 2026-01-28.

Conditions:
Retinal dystrophy. Also called: Inherited retinal dystrophy. Identifiers: Orphanet 71862, MedGen C0854723, MeSH D058499, MONDO:0019118, HP:0000556.
Leber congenital amaurosis 4 (LCA4). Identifiers: MedGen C1858386, MONDO:0011458, OMIM 604393.

Allele frequency attached by ClinVar (database versions not stated): 1000 Genomes Project 0.00220; 1000 Genomes Project 30x 0.00281; TOPMed 0.00342; gnomAD 0.00359 and 0.00366; ESP Exome Variant Server 0.00361; gnomAD exomes 0.00417 and 0.00507; ExAC 0.00441.
gnomAD v4.1: 7,962 of 1,613,722 alleles (0.49%); highest among the groups gnomAD compares: Non-Finnish European, 0.56%; 31 homozygotes.

Submissions (9):

Labcorp Genetics (formerly Invitae), Labcorp
Classification: Benign for Leber congenital amaurosis 4. Last evaluated: 2026-01-28. Review status: criteria provided, single submitter. Criteria: Invitae Variant Classification Sherloc (09022015). Collection method: clinical testing. Allele origin: germline.

CeGaT Center for Human Genetics Tuebingen
Classification: Likely benign. Last evaluated: 2024-07-01. Review status: criteria provided, single submitter. Criteria: CeGaT Center For Human Genetics Tuebingen Variant Classification Criteria Version 2. Collection method: clinical testing. Allele origin: germline. Affected: yes. Observed: 3 variant alleles.
Comment: AIPL1: BP4, BP7, BS2

ARUP Laboratories, Molecular Genetics and Genomics, ARUP Laboratories
Classification: Benign. Last evaluated: 2023-08-15. Review status: criteria provided, single submitter. Criteria: ARUP Molecular Germline Variant Investigation Process 2024. Collection method: clinical testing. Allele origin: germline.

Illumina Laboratory Services, Illumina
Classification: Uncertain significance for Leber congenital amaurosis 4. Last evaluated: 2018-01-12. Review status: criteria provided, single submitter. Criteria: ICSL Variant Classification Criteria 13 December 2019. Collection method: clinical testing. Allele origin: germline.

Eurofins Ntd Llc (ga)
Classification: Benign. Last evaluated: 2016-09-19. Review status: criteria provided, single submitter. Criteria: EGL Classification Definitions 2015. Collection method: clinical testing. Allele origin: germline. Observed: 2 variant alleles, 2 heterozygotes.

Institute of Human Genetics, Univ. Regensburg, Univ. Regensburg
Classification: Uncertain significance for Retinal dystrophy. Last evaluated: 2012-01-01. Review status: no assertion criteria provided. Criteria: ACMG Guidelines, 2015. Collection method: clinical testing. Allele origin: germline. Affected: yes. Not counted in ClinVar's aggregate classification.

Clinical Genetics DNA and cytogenetics Diagnostics Lab, Erasmus MC, Erasmus Medical Center
Classification: Likely benign. Review status: no assertion criteria provided. Collection method: clinical testing. Allele origin: germline. Affected: yes. Study: VKGL Data-share Consensus. Not counted in ClinVar's aggregate classification.

Clinical Genetics, Academic Medical Center
Classification: Benign. Review status: no assertion criteria provided. Collection method: clinical testing. Allele origin: germline. Affected: yes. Study: VKGL Data-share Consensus. Not counted in ClinVar's aggregate classification.

Retina International
No classification provided. Review status: no classification provided. Collection method: not provided. Allele origin: unknown. Not counted in ClinVar's aggregate classification.

NM_014336.5(AIPL1):c.267C>T (p.Cys89=)

Gene: AIPL1 (AIP like 1 HSP90 co-chaperone; minus strand). Cytogenetic location: 17p13.2.
Variant type: single nucleotide variant.
Coding change: c.267C>T on transcript NM_014336.5 (MANE Select); coding-DNA position 267, C replaced by T.
Protein change: p.Cys89=; no amino-acid change (cysteine 89 retained).
Molecular consequence: synonymous variant. On other transcripts: intron variant (1).
Genome position (GRCh38, 1-based): chr17:6,433,928, G>A on the plus strand (C>T on the coding strand, the complement: AIPL1 is on the minus strand). VCF-style: chr17-6433928-G-A. GRCh37 (hg19) VCF-style: chr17-6337248-G-A.
Other names: c.267C>T, p.Cys89= (NM_001033054.3, NM_001285401.3, NM_001285403.4); c.231C>T, p.Cys77= (NM_001285399.3); c.201C>T, p.Cys67= (NM_001285400.3); c.150C>T, p.Cys50= (NM_001285402.2); c.96+1081C>T (NM_001033055.3).
Identifiers: ClinVar variation 95582 (VCV000095582.55), dbSNP rs62653020, ClinGen allele CA223113.